The following is an entry in ClinVar:

ClinVar aggregate classification (germline): Uncertain significance. Review status: criteria provided, multiple submitters, no conflicts (2 of 4 stars). 3 submissions from 3 submitters: Uncertain significance (3). Last evaluated 2024-05-15.

Conditions:
ALG1-congenital disorder of glycosylation. Also called: CDG Ik; ALG1-CDG; CONGENITAL DISORDER OF GLYCOSYLATION, TYPE Ik. Identifiers: Orphanet 79327, MedGen C2931005, MONDO:0012052, OMIM 608540.
Inborn genetic diseases. Identifiers: MedGen C0950123, MeSH D030342.

Allele frequency attached by ClinVar (database versions not stated): gnomAD exomes below 0.00001; gnomAD 0.00011 and 0.00012; TOPMed 0.00011; 1000 Genomes Project 30x 0.00031; 1000 Genomes Project 0.00040.
gnomAD v4.1: 25 of 1,547,492 alleles (0.0016%); highest among the groups gnomAD compares: African/African-American, 0.027%; no homozygotes.

Submissions (3):

Fulgent Genetics
Classification: Uncertain significance for ALG1-congenital disorder of glycosylation. Last evaluated: 2024-05-15. Review status: criteria provided, single submitter. Criteria: ACMG Guidelines, 2015. Collection method: clinical testing. Allele origin: germline.

Labcorp Genetics (formerly Invitae), Labcorp
Classification: Uncertain significance for ALG1-congenital disorder of glycosylation. Last evaluated: 2022-06-15. Review status: criteria provided, single submitter. Criteria: Invitae Variant Classification Sherloc (09022015). Collection method: clinical testing. Allele origin: germline.
Comment: This sequence change replaces leucine, which is neutral and non-polar, with valine, which is neutral and non-polar, at codon 356 of the ALG1 protein (p.Leu356Val). This variant is present in population databases (rs569498428, gnomAD 0.02%). This variant has not been reported in the literature in individuals affected with ALG1-related conditions. Advanced modeling of protein sequence and biophysical properties (such as structural, functional, and spatial information, amino acid conservation, physicochemical variation, residue mobility, and thermodynamic stability) performed at Invitae indicates that this missense variant is expected to disrupt ALG1 protein function. In summary, the available evidence is currently insufficient to determine the role of this variant in disease. Therefore, it has been classified as a Variant of Uncertain Significance.

Ambry Genetics
Classification: Uncertain significance for Inborn genetic diseases. Last evaluated: 2022-03-23. Review status: criteria provided, single submitter. Criteria: Ambry Variant Classification Scheme 2023. Collection method: clinical testing. Allele origin: germline.

NM_019109.5(ALG1):c.1066C>G (p.Leu356Val)

Gene: ALG1 (ALG1 chitobiosyldiphosphodolichol beta-mannosyltransferase; plus strand). Cytogenetic location: 16p13.3.
Variant type: single nucleotide variant.
Coding change: c.1066C>G on transcript NM_019109.5 (MANE Select); coding-DNA position 1066, C replaced by G.
Protein change: p.Leu356Val; replaces leucine 356 with valine.
Molecular consequence: missense variant.
Genome position (GRCh38, 1-based): chr16:5,081,050, C>G. VCF-style: chr16-5081050-C-G. GRCh37 (hg19) VCF-style: chr16-5131051-C-G.
Other names: c.733C>G, p.Leu245Val (NM_001330504.2); c.1066C>G (NM_019109.4); short protein forms L245V, L356V.
Identifiers: ClinVar variation 1431547 (VCV001431547.8), dbSNP rs569498428, ClinGen allele CA7890183.